The following is an entry in ClinVar:

NM_016222.4(DDX41):c.560A>G (p.Lys187Arg)

Gene: DDX41 (DEAD-box helicase 41; minus strand). Cytogenetic location: 5q35.3.
Variant type: single nucleotide variant.
Coding change: c.560A>G on transcript NM_016222.4 (MANE Select); coding-DNA position 560, A replaced by G.
Protein change: p.Lys187Arg; replaces lysine 187 with arginine.
Molecular consequence: missense variant.
Genome position (GRCh38, 1-based): chr5:177,515,696, T>C on the plus strand (A>G on the coding strand, the complement: DDX41 is on the minus strand). VCF-style: chr5-177515696-T-C. GRCh37 (hg19) VCF-style: chr5-176942697-T-C.
Other names: c.182A>G, p.Lys61Arg (NM_001321732.2, NM_001321830.2); c.560A>G (NM_016222.3); short protein forms K187R, K61R.
Identifiers: ClinVar variation 1312655 (VCV001312655.15), dbSNP rs185950985, ClinGen allele CA3585166.

ClinVar aggregate classification (germline): Uncertain significance. Review status: criteria provided, multiple submitters, no conflicts (2 of 4 stars). 6 submissions from 6 submitters: Uncertain significance (6). Last evaluated 2025-08-07.

Conditions:
DDX41-related hematologic malignancy predisposition syndrome. Also called: DDX41-Associated Familial Myelodysplastic Syndrome and Acute Myeloid Leukemia; Myeloproliferative/lymphoproliferative neoplasms, familial (multiple types), susceptibility to. Identifiers: Orphanet 488647, MedGen C4225174, MONDO:0014809, OMIM 616871.
Inborn genetic diseases. Identifiers: MedGen C0950123, MeSH D030342.

Allele frequency attached by ClinVar (database versions not stated): TOPMed 0.00001; gnomAD exomes 0.00002 and 0.00004; gnomAD 0.00003 and 0.00004; ExAC 0.00004; 1000 Genomes Project 0.00020; 1000 Genomes Project 30x 0.00031.

Submissions (6):

Ambry Genetics
Classification: Uncertain significance for Inborn genetic diseases. Last evaluated: 2025-08-07. Review status: criteria provided, single submitter. Criteria: Ambry Variant Classification Scheme 2023. Collection method: clinical testing. Allele origin: germline.
Comment: The p.K187R variant (also known as c.560A>G), located in coding exon 6 of the DDX41 gene, results from an A to G substitution at nucleotide position 560. The lysine at codon 187 is replaced by arginine, an amino acid with highly similar properties. This variant was reported in individuals with features consistent with DDX41-related hematologic malignancy predisposition syndrome (Choi EJ et al. Haematologica, 2022 Feb;107:510-518; Li P et al. Blood, 2022 Aug;140:716-755). This amino acid position is highly conserved in available vertebrate species. In addition, this alteration is predicted to be tolerated by in silico analysis. Based on the available evidence, the clinical significance of this variant remains unclear.

Labcorp Genetics (formerly Invitae), Labcorp
Classification: Uncertain significance. Last evaluated: 2025-01-23. Review status: criteria provided, single submitter. Criteria: Invitae Variant Classification Sherloc (09022015). Collection method: clinical testing. Allele origin: germline.
Comment: This sequence change replaces lysine, which is basic and polar, with arginine, which is basic and polar, at codon 187 of the DDX41 protein (p.Lys187Arg). This variant is present in population databases (rs185950985, gnomAD 0.04%). This missense change has been observed in individual(s) with acute myeloid leukemia, aplastic anemia, and/or myeloproliferative neoplasm (PMID: 33332384, 33626862, 36322930, 37154083). ClinVar contains an entry for this variant (Variation ID: 1312655). An algorithm developed to predict the effect of missense changes on protein structure and function (PolyPhen-2) suggests that this variant is likely to be disruptive. In summary, the available evidence is currently insufficient to determine the role of this variant in disease. Therefore, it has been classified as a Variant of Uncertain Significance.

Victorian Clinical Genetics Services, Murdoch Childrens Research Institute
Classification: Uncertain significance for DDX41-related hematologic malignancy predisposition syndrome. Last evaluated: 2024-10-11. Review status: criteria provided, single submitter. Criteria: ACMG Guidelines, 2015. Collection method: clinical testing. Allele origin: germline. Inheritance: Autosomal dominant inheritance. Affected: yes.
Comment: Based on the classification scheme VCGS_Germline_v1.3.5, this variant is classified as VUS-3B. Following criteria are met: 0102 - Loss of function is a known mechanism of disease in this gene and is associated with DDX41-related hematologic malignancy predisposition syndrome (MONDO:0014809). (I) 0107 - This gene is associated with autosomal dominant disease. (I) 0112 - The condition associated with this gene has incomplete penetrance (OMIM). (I) 0200 - Variant is predicted to result in a missense amino acid change from lysine to arginine. (I) 0251 - This variant is heterozygous. (I) 0302 - Variant is present in gnomAD (v4) <0.001 for a dominant condition (44 heterozygotes, 0 homozygotes). (SP) 0503 - Missense variant consistently predicted to be tolerated by multiple in silico tools or not conserved in placental mammals with a minor amino acid change. (SB) 0600 - Variant is located in the annotated Q motif (DECIPHER). (I) 0705 - No comparable missense variants have previous evidence for pathogenicity. (I) 0809 - Previous evidence of pathogenicity for this variant is inconclusive. This variant has been classified as a VUS by multiple clinical laboratories (ClinVar). This variant has also been classified as a VUS in the literature but has been reported in multiple individuals with haematologic malignancies such as aplastic anaemia and acute myeloid leukemia (PMIDs: 33332384, 33626862, 35671390, 37434984, 37154083, 36322930). It should also be noted that in one study, it is unclear whether this variant was of germline or somatic origin (PMID: 37154083). (I) 1007 - No published functional evidence has been identified for this variant. (I) 1208 - Inheritance information for this variant is not currently available in this individual. (I) Legend: (SP) - Supporting pathogenic, (I) - Information, (SB) - Supporting benign

Blueprint Genetics
Classification: Uncertain significance. Last evaluated: 2024-01-15. Review status: criteria provided, single submitter. Criteria: ACMG Guidelines, 2015. Collection method: clinical testing. Allele origin: germline.

GeneDx
Classification: Uncertain significance. Last evaluated: 2022-11-03. Review status: criteria provided, single submitter. Criteria: GeneDx Variant Classification Process June 2021. Collection method: clinical testing. Allele origin: germline. Affected: yes.
Comment: In silico analysis supports a deleterious effect on splicing; In silico analysis supports that this missense variant does not alter protein structure/function; Has not been previously published as pathogenic or benign to our knowledge; This variant is associated with the following publications: (PMID: 27721487)

Genetic Services Laboratory, University of Chicago
Classification: Uncertain significance. Last evaluated: 2018-03-06. Review status: criteria provided, single submitter. Criteria: ACMG Guidelines, 2015. Collection method: clinical testing. Allele origin: germline. Affected: no.

Literature cited by the submitters: PubMed 33626862 (cited by 3 submitters); PubMed 35671390 (cited by Ambry Genetics and Victorian Clinical Genetics Services, Murdoch Childrens Research Institute); PubMed 33332384 (cited by Labcorp Genetics (formerly Invitae), Labcorp and Victorian Clinical Genetics Services, Murdoch Childrens Research Institute); PubMed 36322930 (cited by Labcorp Genetics (formerly Invitae), Labcorp and Victorian Clinical Genetics Services, Murdoch Childrens Research Institute); PubMed 37154083 (cited by Labcorp Genetics (formerly Invitae), Labcorp and Victorian Clinical Genetics Services, Murdoch Childrens Research Institute); PubMed 37434984 (cited by Victorian Clinical Genetics Services, Murdoch Childrens Research Institute).